The following is an entry in ClinVar:

ClinVar aggregate classification (germline): Uncertain significance (1 of 4 stars; one submission).

Conditions:
Hereditary cancer-predisposing syndrome. Also called: Hereditary Cancer Syndrome; Tumor predisposition; Hereditary neoplastic syndrome; Neoplastic Syndromes, Hereditary. Identifiers: Orphanet 140162, MedGen C0027672, MeSH D009386, MONDO:0015356.

Submission:

Ambry Genetics
Classification: Uncertain significance for Hereditary cancer-predisposing syndrome. Last evaluated: 2024-03-21. Review status: criteria provided, single submitter. Criteria: Ambry Variant Classification Scheme 2023. Collection method: clinical testing. Allele origin: germline.
Comment: The p.A905V variant (also known as c.2714C>T), located in coding exon 13 of the BLM gene, results from a C to T substitution at nucleotide position 2714. The alanine at codon 905 is replaced by valine, an amino acid with similar properties. This amino acid position is conserved. In addition, this alteration is predicted to be deleterious by in silico analysis. Based on the available evidence, the clinical significance of this alteration remains unclear.

NM_000057.4(BLM):c.2714C>T (p.Ala905Val)

Gene: BLM (BLM RecQ like helicase; plus strand). Cytogenetic location: 15q26.1.
Variant type: single nucleotide variant.
Coding change: c.2714C>T on transcript NM_000057.4 (MANE Select); coding-DNA position 2714, C replaced by T.
Protein change: p.Ala905Val; replaces alanine 905 with valine.
Molecular consequence: missense variant.
Genome position (GRCh38, 1-based): chr15:90,784,972, C>T. VCF-style: chr15-90784972-C-T. GRCh37 (hg19) VCF-style: chr15-91328202-C-T.
Other names: c.2714C>T, p.Ala905Val (NM_001287246.2, NM_001287247.2); c.1589C>T, p.Ala530Val (NM_001287248.2); short protein forms A530V, A905V.
Identifiers: ClinVar variation 3261012 (VCV003261012.1).